The following is an entry in ClinVar:

ClinVar aggregate classification (germline): Uncertain significance. Review status: criteria provided, multiple submitters, no conflicts (2 of 4 stars). 2 submissions from 2 submitters: Uncertain significance (2). Last evaluated 2025-12-20.

Submissions (2):

Labcorp Genetics (formerly Invitae), Labcorp
Classification: Uncertain significance. Last evaluated: 2025-12-20. Review status: criteria provided, single submitter. Criteria: Invitae Variant Classification Sherloc (09022015). Collection method: clinical testing. Allele origin: germline.
Comment: This sequence change replaces arginine, which is basic and polar, with histidine, which is basic and polar, at codon 596 of the ZNF408 protein (p.Arg596His). This variant is present in population databases (rs759235291, gnomAD 0.008%). This variant has not been reported in the literature in individuals affected with ZNF408-related conditions. ClinVar contains an entry for this variant (Variation ID: 3612383). An algorithm developed to predict the effect of missense changes on protein structure and function outputs the following: PolyPhen-2: "Probably Damaging". The histidine amino acid residue is found in multiple mammalian species, which suggests that this missense change does not adversely affect protein function. In summary, the available evidence is currently insufficient to determine the role of this variant in disease. Therefore, it has been classified as a Variant of Uncertain Significance.

Blueprint Genetics
Classification: Uncertain significance. Last evaluated: 2019-01-21. Review status: criteria provided, single submitter. Criteria: ACMG Guidelines, 2015. Collection method: clinical testing. Allele origin: germline.

NM_024741.3(ZNF408):c.1787G>A (p.Arg596His)

Gene: ZNF408 (zinc finger protein 408; plus strand). Cytogenetic location: 11p11.2.
Variant type: single nucleotide variant.
Coding change: c.1787G>A on transcript NM_024741.3 (MANE Select); coding-DNA position 1787, G replaced by A.
Protein change: p.Arg596His; replaces arginine 596 with histidine.
Molecular consequence: missense variant.
Genome position (GRCh38, 1-based): chr11:46,705,487, G>A. VCF-style: chr11-46705487-G-A. GRCh37 (hg19) VCF-style: chr11-46727037-G-A.
Other names: c.1763G>A, p.Arg588His (NM_001184751.2); short protein forms R588H, R596H.
Identifiers: ClinVar variation 3612383 (VCV003612383.3).